The following is an entry in ClinVar:

NM_000492.4(CFTR):c.1478A>T (p.Gln493Leu)

Genes: CFTR (CF transmembrane conductance regulator; plus strand), CFTR-AS1 (CFTR antisense RNA 1; minus strand). Cytogenetic location: 7q31.2.
Variant type: single nucleotide variant.
Coding change: c.1478A>T on transcript NM_000492.4 (MANE Select); coding-DNA position 1478, A replaced by T.
Protein change: p.Gln493Leu; replaces glutamine 493 with leucine.
Molecular consequence: missense variant.
Genome position (GRCh38, 1-based): chr7:117,559,549, A>T. VCF-style: chr7-117559549-A-T. GRCh37 (hg19) VCF-style: chr7-117199603-A-T.
Other names: Q493L.
Identifiers: ClinVar variation 1706058 (VCV001706058.3), dbSNP rs397508214, ClinGen allele CA368984544.
Genomic context (GRCh38, chr7:117,559,549, plus strand): 5'-GAGAACTGGAGCCTTCAGAGGGTAAAATTAAGCACAGTGGAAGAATTTCATTCTGTTCTC[A>T]GTTTTCCTGGATTATGCCTGGCACCATTAAAGAAAATATCATCTTTGGTGTTTCCTATGA-3'
Protein context (NP_000483.3, residues 483-503): KHSGRISFCS[Gln493Leu]FSWIMPGTIK

ClinVar aggregate classification (germline): Conflicting classifications of pathogenicity. Review status: criteria provided, conflicting classifications (1 of 4 stars). 2 submissions from 2 submitters: Likely pathogenic (1); Uncertain significance (1). Last evaluated 2022-09-05.

Conditions:
Cystic fibrosis (CF). Also called: MUCOVISCIDOSIS. Identifiers: Orphanet 586, MedGen C0010674, MONDO:0009061, OMIM 219700. Disease mechanism: loss of function.

Submissions (2):

Institute of Human Genetics, University of Leipzig Medical Center
Classification: Likely pathogenic for Cystic fibrosis. Last evaluated: 2022-09-05. Review status: criteria provided, single submitter. Criteria: ACMG Guidelines, 2015. Collection method: curation. Allele origin: unknown. Affected: yes. Observed: 1 variant allele.
Comment: The variant was classified in the context of a project re-classifying variants in the German Cystic Fibrosis Registry (Muko.e.V.). Criteria applied: PM2_SUP, PM3, PM5_STR, PP3, PP4

Ambry Genetics
Classification: Uncertain significance for Cystic fibrosis. Last evaluated: 2022-05-18. Review status: criteria provided, single submitter. Criteria: Ambry Variant Classification Scheme 2023. Collection method: clinical testing. Allele origin: germline.
Comment: The p.Q493L variant (also known as c.1478A>T), located in coding exon 11 of the CFTR gene, results from an A to T substitution at nucleotide position 1478. The glutamine at codon 493 is replaced by leucine, an amino acid with dissimilar properties. This amino acid position is highly conserved in available vertebrate species. In addition, this alteration is predicted to be deleterious by in silico analysis. Since supporting evidence is limited at this time, the clinical significance of this alteration remains unclear.

Literature cited by the submitters: PubMed 18782298 (cited by Ambry Genetics).